The following is an entry in ClinVar:

ClinVar aggregate classification (germline): Uncertain significance (1 of 4 stars; one submission).

Conditions:
Joubert syndrome. Also called: CEREBELLOPARENCHYMAL DISORDER IV; JOUBERT-BOLTSHAUSER SYNDROME; Familial aplasia of the vermis. Identifiers: Orphanet 475, MedGen C5979921, MONDO:0018772.
Nephronophthisis. Also called: Juvenile Nephronophthisis. Identifiers: Orphanet 655, MedGen C0687120, MONDO:0019005, HP:0000090.
Meckel-Gruber syndrome. Also called: DYSENCEPHALIA SPLANCHNOCYSTICA; GRUBER SYNDROME; Dysencephalia splachnocystica. Identifiers: Orphanet 564, MedGen C0265215, MONDO:0018921.

Submission:

Labcorp Genetics (formerly Invitae), Labcorp
Classification: Uncertain significance for Joubert syndrome; Meckel-Gruber syndrome; Nephronophthisis. Last evaluated: 2022-03-13. Review status: criteria provided, single submitter. Criteria: Invitae Variant Classification Sherloc (09022015). Collection method: clinical testing. Allele origin: germline.
Comment: This sequence change replaces asparagine, which is neutral and polar, with lysine, which is basic and polar, at codon 2170 of the CEP290 protein (p.Asn2170Lys). This variant is not present in population databases (gnomAD no frequency). This variant has not been reported in the literature in individuals affected with CEP290-related conditions. Algorithms developed to predict the effect of missense changes on protein structure and function are either unavailable or do not agree on the potential impact of this missense change (SIFT: "Deleterious"; PolyPhen-2: "Possibly Damaging"; Align-GVGD: "Class C0"). In summary, the available evidence is currently insufficient to determine the role of this variant in disease. Therefore, it has been classified as a Variant of Uncertain Significance.

NM_025114.4(CEP290):c.6510T>A (p.Asn2170Lys)

Gene: CEP290 (centrosomal protein 290; minus strand). Cytogenetic location: 12q21.32.
Variant type: single nucleotide variant.
Coding change: c.6510T>A on transcript NM_025114.4 (MANE Select); coding-DNA position 6510, T replaced by A.
Protein change: p.Asn2170Lys; replaces asparagine 2170 with lysine.
Molecular consequence: missense variant.
Genome position (GRCh38, 1-based): chr12:88,060,842, A>T on the plus strand (T>A on the coding strand, the complement: CEP290 is on the minus strand). VCF-style: chr12-88060842-A-T. GRCh37 (hg19) VCF-style: chr12-88454619-A-T.
Other names: short protein forms N2170K.
Identifiers: ClinVar variation 2110751 (VCV002110751.1), dbSNP rs2499567868, ClinGen allele CA385978502.